The following is an entry in ClinVar:

NM_004599.4(SREBF2):c.1267G>A (p.Asp423Asn)

Gene: SREBF2 (sterol regulatory element binding transcription factor 2; plus strand). Cytogenetic location: 22q13.2.
Variant type: single nucleotide variant.
Coding change: c.1267G>A on transcript NM_004599.4 (MANE Select); coding-DNA position 1267, G replaced by A.
Protein change: p.Asp423Asn; replaces aspartic acid 423 with asparagine.
Molecular consequence: missense variant. On other transcripts: non-coding transcript variant (1).
Genome position (GRCh38, 1-based): chr22:41,875,605, G>A. VCF-style: chr22-41875605-G-A. GRCh37 (hg19) VCF-style: chr22-42271609-G-A.
Other names: short protein forms D423N.
Identifiers: ClinVar variation 4979929 (VCV004979929.1).

ClinVar aggregate classification (germline): Uncertain significance (1 of 4 stars; one submission).

Conditions:
SREBF2-related disorder. Also called: SREBF2-related condiiton.

gnomAD v4.1: 34 of 1,614,104 alleles (0.0021%); highest among the groups gnomAD compares: African/African-American, 0.023%; 1 homozygote.

Submission:

PreventionGenetics, part of Exact Sciences
Classification: Uncertain significance for SREBF2-related condition. Last evaluated: 2025-02-12. Review status: criteria provided, single submitter. Criteria: ACMG Guidelines, 2015. Collection method: clinical testing. Allele origin: germline.
Comment: The SREBF2 c.1267G>A variant is predicted to result in the amino acid substitution p.Asp423Asn. To our knowledge, this variant has not been reported in the literature or in a large population database (gnomAD), indicating this variant is rare. At this time, the clinical significance of this variant is uncertain due to the absence of conclusive functional and genetic evidence.